The following is an entry in ClinVar:

NM_022173.4(TIA1):c.936G>T (p.Trp312Cys)

Gene: TIA1 (TIA1 cytotoxic granule associated RNA binding protein; minus strand). Cytogenetic location: 2p13.3.
Variant type: single nucleotide variant.
Coding change: c.936G>T on transcript NM_022173.4 (MANE Select); coding-DNA position 936, G replaced by T.
Protein change: p.Trp312Cys; replaces tryptophan 312 with cysteine.
Molecular consequence: missense variant. On other transcripts: non-coding transcript variant (17).
Genome position (GRCh38, 1-based): chr2:70,214,447, C>A on the plus strand (G>T on the coding strand, the complement: TIA1 is on the minus strand). VCF-style: chr2-70214447-C-A. GRCh37 (hg19) VCF-style: chr2-70441579-C-A.
Other names: c.933G>T, p.Trp311Cys (NM_001351508.2); c.909G>T, p.Trp303Cys (NM_001351509.2); c.900G>T, p.Trp300Cys (NM_001351510.2); c.825G>T, p.Trp275Cys (NM_001351511.1); c.798G>T, p.Trp266Cys (NM_001351512.1); c.792G>T, p.Trp264Cys (NM_001351513.1); c.708G>T, p.Trp236Cys (NM_001351514.2); c.633G>T, p.Trp211Cys (NM_001351515.2); and 3 more; short protein forms W172C, W236C, W300C, W301C, W211C, W264C, W266C, W311C.
Identifiers: ClinVar variation 2202616 (VCV002202616.4), dbSNP rs2466464030, ClinGen allele CA347150178.
Genomic context (GRCh38, chr2:70,214,447, plus strand): 5'-ATATGCAGGAACTTGCCAACCATTAGGCATATACTGGCCAATTTGTTGTGCATTTCCATA[C>A]CACTGGCCCCACTGGCCATAAGGTTGGGGATATCCAATTTGATTCTGCTATTAAATAAAA-3'
Protein context (NP_071505.2, residues 302-322): YPQPYGQWGQ[Trp312Cys]YGNAQQIGQY

ClinVar aggregate classification (germline): Uncertain significance (1 of 4 stars; one submission).

Conditions:
Welander distal myopathy (WDM). Also called: Gower's muscular dystrophy; Welander distal myopathy, Swedish type; Distal myopathy, Swedish type; MUSCULAR DYSTROPHY, DISTAL, LATE-ONSET, AUTOSOMAL DOMINANT. Identifiers: Orphanet 603, MedGen C0221054, MONDO:0011466, OMIM 604454.

Allele frequency attached by ClinVar (database versions not stated): gnomAD exomes below 0.00001.
gnomAD v4.1: 1 of 1,613,690 alleles (0.000062%); highest among the groups gnomAD compares: Non-Finnish European, 0.000085%; no homozygotes.

Submission:

Labcorp Genetics (formerly Invitae), Labcorp
Classification: Uncertain significance for Welander distal myopathy. Last evaluated: 2025-01-12. Review status: criteria provided, single submitter. Criteria: Invitae Variant Classification Sherloc (09022015). Collection method: clinical testing. Allele origin: germline.
Comment: This sequence change replaces tryptophan, which is neutral and slightly polar, with cysteine, which is neutral and slightly polar, at codon 312 of the TIA1 protein (p.Trp312Cys). This variant is not present in population databases (gnomAD no frequency). This variant has not been reported in the literature in individuals affected with TIA1-related conditions. ClinVar contains an entry for this variant (Variation ID: 2202616). An algorithm developed to predict the effect of missense changes on protein structure and function (PolyPhen-2) suggests that this variant is likely to be disruptive. In summary, the available evidence is currently insufficient to determine the role of this variant in disease. Therefore, it has been classified as a Variant of Uncertain Significance.